The following is an entry in ClinVar:

ClinVar aggregate classification (germline): Uncertain significance (1 of 4 stars; one submission).

Submission:

Labcorp Genetics (formerly Invitae), Labcorp
Classification: Uncertain significance. Last evaluated: 2022-09-28. Review status: criteria provided, single submitter. Criteria: Invitae Variant Classification Sherloc (09022015). Collection method: clinical testing. Allele origin: germline.
Comment: A copy number gain of the genomic region encompassing the full coding sequence of the C17orf62 gene has been identified. The boundaries of this event are unknown as they extend beyond the assayed region for this gene and therefore may encompass additional genes. As the precise location of this event is unknown, it may be in tandem or it may be located elsewhere in the genome. This variant has not been reported in the literature in individuals affected with C17orf62-related conditions. In summary, the available evidence is currently insufficient to determine the role of this variant in disease. Therefore, it has been classified as a Variant of Uncertain Significance.

NC_000017.10:g.(?_80332201)_(80758892_?)dup

Genes: CYBC1 (cytochrome b-245 chaperone 1; minus strand), FN3K (fructosamine 3 kinase; plus strand), FN3KRP (fructosamine 3 kinase related protein; plus strand), FOXK2 (forkhead box K2; plus strand), HEXD (hexosaminidase D; plus strand) and 7 more. Cytogenetic location: 17q25.3.
Variant type: Duplication.
Identifiers: ClinVar variation 2423509 (VCV002423509.3).